The following is an entry in ClinVar:

NM_006767.4(LZTR1):c.495G>A (p.Trp165Ter)

Gene: LZTR1 (leucine zipper like post translational regulator 1; plus strand). Cytogenetic location: 22q11.21.
Variant type: single nucleotide variant.
Coding change: c.495G>A on transcript NM_006767.4 (MANE Select); coding-DNA position 495, G replaced by A.
Protein change: p.Trp165Ter; replaces tryptophan 165 with a stop codon.
Molecular consequence: nonsense.
Genome position (GRCh38, 1-based): chr22:20,988,104, G>A. VCF-style: chr22-20988104-G-A. GRCh37 (hg19) VCF-style: chr22-21342393-G-A.
Other names: short protein forms W165*.
Identifiers: ClinVar variation 3233815 (VCV003233815.7), dbSNP rs2147962064, ClinGen allele CA410779918.

ClinVar aggregate classification (germline): Pathogenic/Likely pathogenic. Review status: criteria provided, multiple submitters, no conflicts (2 of 4 stars). 4 submissions from 3 submitters: Pathogenic (3); Likely pathogenic (1). Last evaluated 2025-11-17.

Conditions:
Emery-Dreifuss muscular dystrophy (EDMD). Also called: Scapuloperoneal syndrome, X-linked (formerly); Humeroperoneal neuromuscular disease, (formerly). Identifiers: Orphanet 261, MedGen C0410189, MONDO:0016830.
Schwannomatosis. Identifiers: Orphanet 93921, MedGen C1335929, MeSH C536641, MONDO:0008075.

Allele frequency attached by ClinVar (database versions not stated): gnomAD exomes below 0.00001.
gnomAD v4.1: 2 of 1,608,330 alleles (0.00012%); highest among the groups gnomAD compares: Non-Finnish European, 0.00017%; no homozygotes.

Submissions (4):

Dasa
Classification: Likely pathogenic. Last evaluated: 2025-11-17. Review status: criteria provided, single submitter. Criteria: DASA Assertion Criteria. Collection method: clinical testing. Allele origin: germline.
Comment: NM_006767.4(LZTR1):c.495G>A (p.Trp165*) is a nonsense variant in LZTR1 predicted to introduce a premature termination codon and is predicted to result in an absent or altered protein product. Loss of function is an established disease mechanism for LZTR1-associated disorders. Also, this variant is rare in population databases. Based on the currently available evidence, this variant is classified as likely pathogenic.

Labcorp Genetics (formerly Invitae), Labcorp
Classification: Pathogenic. Last evaluated: 2025-07-06. Review status: criteria provided, single submitter. Criteria: Invitae Variant Classification Sherloc (09022015). Collection method: clinical testing. Allele origin: germline.
Comment: This sequence change creates a premature translational stop signal (p.Trp165*) in the LZTR1 gene. It is expected to result in an absent or disrupted protein product. Loss-of-function variants in LZTR1 are known to be pathogenic (PMID: 24362817, 25335493, 25480913, 25795793, 29469822, 30368668, 30442762, 30442766, 30481304, 30859559). This variant is not present in population databases (gnomAD no frequency). This variant has not been reported in the literature in individuals affected with LZTR1-related conditions. ClinVar contains an entry for this variant (Variation ID: 3233815). For these reasons, this variant has been classified as Pathogenic.

Women's Health and Genetics/Laboratory Corporation of America, LabCorp
Classification: Pathogenic for Emery-Dreifuss muscular dystrophy. Last evaluated: 2024-03-22. Review status: criteria provided, single submitter. Criteria: LabCorp Variant Classification Summary - May 2015. Collection method: clinical testing. Allele origin: germline.

Women's Health and Genetics/Laboratory Corporation of America, LabCorp
Classification: Pathogenic for Schwannomatosis. Last evaluated: 2024-03-22. Review status: criteria provided, single submitter. Criteria: LabCorp Variant Classification Summary - May 2015. Collection method: clinical testing. Allele origin: germline.
Comment: Variant summary: LZTR1 c.495G>A (p.Trp165X) results in a premature termination codon, predicted to cause a truncation of the encoded protein or absence of the protein due to nonsense mediated decay, which are commonly known mechanisms for disease. The variant was absent in 251032 control chromosomes. To our knowledge, no occurrence of c.495G>A in individuals affected with Schwannomatosis and no experimental evidence demonstrating its impact on protein function have been reported. No submitters have cited clinical-significance assessments for this variant to ClinVar. Germline loss of function mutations in LZTR1 have been reported to predispose to an inherited disorder of multiple schwannomas (PMID: 24362817) and associate with the recessive Noonan syndrome (PMID: 29469822). Based on the evidence outlined above, the variant was classified as pathogenic for the risk of multiple schwannomas and the recessive Noonan syndrome, and as a variant of uncertain clinical significance for the dominant Noonan syndrome.

Literature cited by the submitters: PubMed 24362817 (cited by Labcorp Genetics (formerly Invitae), Labcorp); PubMed 25335493 (cited by Labcorp Genetics (formerly Invitae), Labcorp); PubMed 25480913 (cited by Labcorp Genetics (formerly Invitae), Labcorp); PubMed 25795793 (cited by Labcorp Genetics (formerly Invitae), Labcorp); PubMed 29469822 (cited by Labcorp Genetics (formerly Invitae), Labcorp); PubMed 30368668 (cited by Labcorp Genetics (formerly Invitae), Labcorp); PubMed 30442762 (cited by Labcorp Genetics (formerly Invitae), Labcorp); PubMed 30442766 (cited by Labcorp Genetics (formerly Invitae), Labcorp); PubMed 30481304 (cited by Labcorp Genetics (formerly Invitae), Labcorp); PubMed 30859559 (cited by Labcorp Genetics (formerly Invitae), Labcorp).